The following is an entry in ClinVar:

ClinVar aggregate classification (germline): Pathogenic. Review status: criteria provided, multiple submitters, no conflicts (2 of 4 stars). 2 submissions from 2 submitters: Pathogenic (2). Last evaluated 2021-07-29.

Conditions:
LAMA2-related muscular dystrophy (LAMA2-RD). Also called: Laminin alpha 2-related dystrophy. Identifiers: MedGen C5679788, MONDO:0100228.

Submissions (2):

Labcorp Genetics (formerly Invitae), Labcorp
Classification: Pathogenic for LAMA2-related muscular dystrophy. Last evaluated: 2021-07-29. Review status: criteria provided, single submitter. Criteria: Invitae Variant Classification Sherloc (09022015). Collection method: clinical testing. Allele origin: germline.
Comment: This sequence change creates a premature translational stop signal (p.Trp1311*) in the LAMA2 gene. It is expected to result in an absent or disrupted protein product. Loss-of-function variants in LAMA2 are known to be pathogenic (PMID: 18700894). This variant is not present in population databases (ExAC no frequency). This premature translational stop signal has been observed in individual(s) with clinical features of congenital muscular dystrophy (PMID: 27447704). For these reasons, this variant has been classified as Pathogenic.

Revvity Omics, Revvity
Classification: Pathogenic. Last evaluated: 2021-04-05. Review status: criteria provided, single submitter. Criteria: ACMG Guidelines, 2015. Collection method: clinical testing. Allele origin: germline.

Literature cited by the submitters: PubMed 18700894 (cited by Labcorp Genetics (formerly Invitae), Labcorp); PubMed 27447704 (cited by Labcorp Genetics (formerly Invitae), Labcorp).

NM_000426.4(LAMA2):c.3932G>A (p.Trp1311Ter)

Gene: LAMA2 (laminin subunit alpha 2; plus strand). Cytogenetic location: 6q22.33.
Variant type: single nucleotide variant.
Coding change: c.3932G>A on transcript NM_000426.4 (MANE Select); coding-DNA position 3932, G replaced by A.
Protein change: p.Trp1311Ter; replaces tryptophan 1311 with a stop codon.
Molecular consequence: nonsense.
Genome position (GRCh38, 1-based): chr6:129,316,045, G>A. VCF-style: chr6-129316045-G-A. GRCh37 (hg19) VCF-style: chr6-129637190-G-A.
Other names: c.3932G>A, p.Trp1311Ter (NM_001079823.2); short protein forms W1311*.
Identifiers: ClinVar variation 1323164 (VCV001323164.9), dbSNP rs2114502893, ClinGen allele CA365613602.
Genomic context (GRCh38, chr6:129,316,045, plus strand): 5'-ATCAATGGTTTTGCATTCAGTTTTGTCATAGTGATTTCTCTTCTTGTTAACAGAAAGAAT[G>A]GAAATATTATGGGGATGATCCTCGAGTCCATAGAACTGTGACCCGAGAAGACTTCTTGGA-3'